The following is an entry in ClinVar:

NM_004100.5(EYA4):c.1192G>T (p.Asp398Tyr)

Genes: EYA4 (EYA transcriptional coactivator and phosphatase 4; plus strand), TARID (TCF21 antisense RNA inducing promoter demethylation; minus strand), LOC126859796 (MED14-independent group 3 enhancer GRCh37_chr6:133826289-133827488; plus strand). Cytogenetic location: 6q23.2.
Variant type: single nucleotide variant.
Coding change: c.1192G>T on transcript NM_004100.5 (MANE Select); coding-DNA position 1192, G replaced by T.
Protein change: p.Asp398Tyr; replaces aspartic acid 398 with tyrosine.
Molecular consequence: missense variant. On other transcripts: non-coding transcript variant (1).
Genome position (GRCh38, 1-based): chr6:133,506,106, G>T. VCF-style: chr6-133506106-G-T. GRCh37 (hg19) VCF-style: chr6-133827244-G-T.
Other names: c.1030G>T, p.Asp344Tyr (NM_001301012.2); c.1210G>T, p.Asp404Tyr (NM_001301013.2); c.1123G>T, p.Asp375Tyr (NM_001370458.1, NM_172103.4); c.1048G>T, p.Asp350Tyr (NM_001370459.1); c.1192G>T, p.Asp398Tyr (NM_172105.4); short protein forms D344Y, D350Y, D375Y, D398Y, D404Y.
Identifiers: ClinVar variation 1677606 (VCV001677606.5), dbSNP rs906659742, ClinGen allele CA148070198.
Genomic context (GRCh38, chr6:133,506,106, plus strand): 5'-ATTTTTAATAATAAGCGCTTACTGAAATTTTACCTCATTATGTGTACATTTTCTTTACAG[G>T]ATCCCCCCATGGCTGTAACCCTTGGACTCCGCATGGAAGAAATGATTTTTAATCTTGCTG-3'
Protein context (NP_004091.3, residues 388-408): TGSYAQKYGK[Asp398Tyr]PPMAVTLGLR

ClinVar aggregate classification (germline): Uncertain significance. Review status: criteria provided, multiple submitters, no conflicts (2 of 4 stars). 3 submissions from 3 submitters: Uncertain significance (3). Last evaluated 2024-06-11.

Conditions:
Dilated cardiomyopathy 1J (CMD1J). Also called: CARDIOMYOPATHY, DILATED, WITH SENSORINEURAL HEARING LOSS, AUTOSOMAL DOMINANT. Identifiers: Orphanet 217622, MedGen C1854368, MONDO:0011541, OMIM 605362.

Allele frequency attached by ClinVar (database versions not stated): gnomAD exomes below 0.00001; TOPMed 0.00001.
gnomAD v4.1: 1 of 1,588,822 alleles (0.000063%); highest among the groups gnomAD compares: Non-Finnish European, 0.000086%; no homozygotes.

Submissions (3):

Labcorp Genetics (formerly Invitae), Labcorp
Classification: Uncertain significance for Dilated cardiomyopathy 1J. Last evaluated: 2024-06-11. Review status: criteria provided, single submitter. Criteria: Invitae Variant Classification Sherloc (09022015). Collection method: clinical testing. Allele origin: germline.
Comment: This sequence change replaces aspartic acid, which is acidic and polar, with tyrosine, which is neutral and polar, at codon 398 of the EYA4 protein (p.Asp398Tyr). This variant is not present in population databases (gnomAD no frequency). This variant has not been reported in the literature in individuals affected with EYA4-related conditions. ClinVar contains an entry for this variant (Variation ID: 1677606). An algorithm developed to predict the effect of missense changes on protein structure and function (PolyPhen-2) suggests that this variant is likely to be disruptive. In summary, the available evidence is currently insufficient to determine the role of this variant in disease. Therefore, it has been classified as a Variant of Uncertain Significance.

Blueprint Genetics
Classification: Uncertain significance. Last evaluated: 2024-04-17. Review status: criteria provided, single submitter. Criteria: ACMG Guidelines, 2015. Collection method: clinical testing. Allele origin: germline.

AiLife Diagnostics
Classification: Uncertain significance. Last evaluated: 2021-10-29. Review status: criteria provided, single submitter. Criteria: ACMG Guidelines, 2015. Collection method: clinical testing. Allele origin: germline. Affected: yes. Observed: 1 variant allele.